The following is an entry in ClinVar:

NM_015047.3(EMC1):c.1990G>A (p.Glu664Lys)

Genes: EMC1 (ER membrane protein complex subunit 1; minus strand), EMC1-AS1 (EMC1 antisense RNA 1; plus strand). Cytogenetic location: 1p36.13.
Variant type: single nucleotide variant.
Coding change: c.1990G>A on transcript NM_015047.3 (MANE Select); coding-DNA position 1990, G replaced by A.
Protein change: p.Glu664Lys; replaces glutamic acid 664 with lysine.
Molecular consequence: missense variant.
Genome position (GRCh38, 1-based): chr1:19,230,918, C>T on the plus strand (G>A on the coding strand, the complement: EMC1 is on the minus strand). VCF-style: chr1-19230918-C-T. GRCh37 (hg19) VCF-style: chr1-19557412-C-T.
Other names: c.1987G>A, p.Glu663Lys (NM_001271427.2, NM_001271428.2); c.1924G>A, p.Glu642Lys (NM_001271429.2); c.1999G>A, p.Glu667Lys (NM_001375820.1); c.1996G>A, p.Glu666Lys (NM_001375821.1); short protein forms E663K, E664K, E666K, E667K, E642K.
Identifiers: ClinVar variation 1008656 (VCV001008656.8), dbSNP rs2093516350, ClinGen allele CA338758747.

ClinVar aggregate classification (germline): Uncertain significance. Review status: criteria provided, multiple submitters, no conflicts (2 of 4 stars). 3 submissions from 3 submitters: Uncertain significance (2). 1 of the submissions does not count toward it. Last evaluated 2024-07-30.

Conditions:
Retinal dystrophy. Also called: Inherited retinal dystrophy. Identifiers: Orphanet 71862, MedGen C0854723, MeSH D058499, MONDO:0019118, HP:0000556.

Allele frequency attached by ClinVar (database versions not stated): TOPMed below 0.00001; gnomAD exomes 0.00001.
gnomAD v4.1: 11 of 1,614,182 alleles (0.00068%); highest among the groups gnomAD compares: Non-Finnish European, 0.00093%; no homozygotes.

Submissions (3):

Blueprint Genetics
Classification: Uncertain significance. Last evaluated: 2024-07-30. Review status: criteria provided, single submitter. Criteria: ACMG Guidelines, 2015. Collection method: clinical testing. Allele origin: germline.

Labcorp Genetics (formerly Invitae), Labcorp
Classification: Uncertain significance. Last evaluated: 2022-08-16. Review status: criteria provided, single submitter. Criteria: Invitae Variant Classification Sherloc (09022015). Collection method: clinical testing. Allele origin: germline.
Comment: This variant has not been reported in the literature in individuals affected with EMC1-related conditions. In summary, the available evidence is currently insufficient to determine the role of this variant in disease. Therefore, it has been classified as a Variant of Uncertain Significance. Algorithms developed to predict the effect of missense changes on protein structure and function (SIFT, PolyPhen-2, Align-GVGD) all suggest that this variant is likely to be tolerated. ClinVar contains an entry for this variant (Variation ID: 1008656). This variant is not present in population databases (gnomAD no frequency). This sequence change replaces glutamic acid, which is acidic and polar, with lysine, which is basic and polar, at codon 664 of the EMC1 protein (p.Glu664Lys).

Institute of Human Genetics, Univ. Regensburg, Univ. Regensburg
Classification: Uncertain significance for Retinal dystrophy. Last evaluated: 2021-01-01. Review status: no assertion criteria provided. Criteria: ACMG Guidelines, 2015. Collection method: clinical testing. Allele origin: germline. Affected: yes. Not counted in ClinVar's aggregate classification.